The following is an entry in ClinVar:

ClinVar aggregate classification (germline): Uncertain significance (1 of 4 stars; one submission).

Submission:

Women's Health and Genetics/Laboratory Corporation of America, LabCorp
Classification: Uncertain significance. Last evaluated: 2025-09-10. Review status: criteria provided, single submitter. Criteria: LabCorp Variant Classification Summary - May 2015. Collection method: clinical testing. Allele origin: germline.
Comment: Variant summary: LRP5 c.3027+5G>A alters a nucleotide located close to a canonical splice site and therefore could affect mRNA splicing, leading to a significantly altered protein sequence. Consensus agreement among computation tools predict no significant impact on normal splicing. However, these predictions have yet to be confirmed by functional studies. The variant allele was found at a frequency of 3.2e-05 in 31410 control chromosomes. The available data on variant occurrences in the general population are insufficient to allow any conclusion about variant significance. To our knowledge, no occurrence of c.3027+5G>A in individuals affected with LRP5-related conditions and no experimental evidence demonstrating its impact on protein function have been reported. No submitters have cited clinical-significance assessments for this variant to ClinVar. Based on the evidence outlined above, the variant was classified as uncertain significance.

NM_002335.4(LRP5):c.3027+5G>A

Gene: LRP5 (LDL receptor related protein 5; plus strand). Cytogenetic location: 11q13.2.
Variant type: single nucleotide variant.
Coding change: c.3027+5G>A on transcript NM_002335.4 (MANE Select); 5 bases into the intron after coding-DNA position 3027, G replaced by A.
Molecular consequence: intron variant.
Genome position (GRCh38, 1-based): chr11:68,416,532, G>A. VCF-style: chr11-68416532-G-A. GRCh37 (hg19) VCF-style: chr11-68184000-G-A.
Other names: c.1284+5G>A (NM_001291902.2).
Identifiers: ClinVar variation 4535632 (VCV004535632.1).